The following is an entry in ClinVar:

NM_000492.4(CFTR):c.35T>C (p.Val12Ala)

Gene: CFTR (CF transmembrane conductance regulator; plus strand). Cytogenetic location: 7q31.2.
Variant type: single nucleotide variant.
Coding change: c.35T>C on transcript NM_000492.4 (MANE Select); coding-DNA position 35, T replaced by C.
Protein change: p.Val12Ala; replaces valine 12 with alanine.
Molecular consequence: missense variant.
Genome position (GRCh38, 1-based): chr7:117,480,129, T>C. VCF-style: chr7-117480129-T-C. GRCh37 (hg19) VCF-style: chr7-117120183-T-C.
Other names: short protein forms V12A.
Identifiers: ClinVar variation 3717849 (VCV003717849.2).

ClinVar aggregate classification (germline): Uncertain significance (1 of 4 stars; one submission).

Conditions:
Cystic fibrosis (CF). Also called: MUCOVISCIDOSIS. Identifiers: Orphanet 586, MedGen C0010674, MONDO:0009061, OMIM 219700. Disease mechanism: loss of function.

gnomAD v4.1: 26 of 1,613,644 alleles (0.0016%); highest among the groups gnomAD compares: South Asian, 0.029%; no homozygotes.

Submission:

Labcorp Genetics (formerly Invitae), Labcorp
Classification: Uncertain significance for Cystic fibrosis. Last evaluated: 2024-02-16. Review status: criteria provided, single submitter. Criteria: Invitae Variant Classification Sherloc (09022015). Collection method: clinical testing. Allele origin: germline.
Comment: This sequence change replaces valine, which is neutral and non-polar, with alanine, which is neutral and non-polar, at codon 12 of the CFTR protein (p.Val12Ala). This variant is present in population databases (rs754221223, gnomAD 0.03%). This variant has not been reported in the literature in individuals affected with CFTR-related conditions. Advanced modeling of protein sequence and biophysical properties (such as structural, functional, and spatial information, amino acid conservation, physicochemical variation, residue mobility, and thermodynamic stability) has been performed at Invitae for this missense variant, however the output from this modeling did not meet the statistical confidence thresholds required to predict the impact of this variant on CFTR protein function. In summary, the available evidence is currently insufficient to determine the role of this variant in disease. Therefore, it has been classified as a Variant of Uncertain Significance.